The following is an entry in ClinVar:

ClinVar aggregate classification (germline): Uncertain significance. Review status: criteria provided, single submitter (1 of 4 stars). 2 submissions from 2 submitters: Uncertain significance (1). 1 of the submissions does not count toward it. Last evaluated 2025-04-11.

Conditions:
SMARCA1-related disorder. Also called: SMARCA1-related condition.

Submissions (2):

Ambry Genetics
Classification: Uncertain significance. Last evaluated: 2025-04-11. Review status: criteria provided, single submitter. Criteria: Ambry Variant Classification Scheme 2023. Collection method: clinical testing. Allele origin: germline.

PreventionGenetics, part of Exact Sciences
Classification: Uncertain significance for SMARCA1-related condition. Last evaluated: 2024-08-05. Review status: no assertion criteria provided. Collection method: clinical testing. Allele origin: germline. Not counted in ClinVar's aggregate classification.
Comment: The SMARCA1 c.379C>T variant is predicted to result in the amino acid substitution p.Arg127Cys. To our knowledge, this variant has not been reported in the literature or in a large population database, indicating this variant is rare. At this time, the clinical significance of this variant is uncertain due to the absence of conclusive functional and genetic evidence.

NM_001282874.2(SMARCA1):c.379C>T (p.Arg127Cys)

Gene: SMARCA1 (SNF2 related chromatin remodeling ATPase 1; minus strand). Cytogenetic location: Xq26.1.
Variant type: single nucleotide variant.
Coding change: c.379C>T on transcript NM_001282874.2 (MANE Select); coding-DNA position 379, C replaced by T.
Protein change: p.Arg127Cys; replaces arginine 127 with cysteine.
Molecular consequence: missense variant.
Genome position (GRCh38, 1-based): chrX:129,516,380, G>A on the plus strand (C>T on the coding strand, the complement: SMARCA1 is on the minus strand). VCF-style: chrX-129516380-G-A. GRCh37 (hg19) VCF-style: chrX-128650357-G-A.
Other names: c.379C>T, p.Arg127Cys (NM_001282875.2, NM_001378261.1, NM_001378262.1 and 3 more transcripts); c.379C>T (NM_003069.3); short protein forms R127C.
Identifiers: ClinVar variation 3358482 (VCV003358482.2).
Genomic context (GRCh38, chrX:129,516,380, plus strand): 5'-TGCCAACATACTCTCCAGCAGAAATTAAGCTCTGCTTTTCATCTTTCTTTATTCGGGGAC[G>A]TCCCAATTTCATGTTCAGTGGAGATGTTGGAGATTTCTGTGCTGAAGGCTGAATGAAATG-3'
Protein context (NP_001269803.1, residues 117-137): PTSPLNMKLG[Arg127Cys]PRIKKDEKQS